The following is an entry in ClinVar:

ClinVar aggregate classification (germline): Pathogenic (1 of 4 stars; one submission).

Submission:

Labcorp Genetics (formerly Invitae), Labcorp
Classification: Pathogenic. Last evaluated: 2023-07-14. Review status: criteria provided, single submitter. Criteria: Invitae Variant Classification Sherloc (09022015). Collection method: clinical testing. Allele origin: germline.
Comment: For these reasons, this variant has been classified as Pathogenic. Retrotransposon insertions including LINE1 (L1), Alu, and SVA (SINE-VNTR-Alu) have been reported to be disease-causing through disruption of either a coding region or splice site (PMID: 19763152, 20307669, 22406018) and loss-of-function variants in PCNT are known to be pathogenic (PMID: 18174396, 22821869). This variant has not been reported in the literature in individuals affected with PCNT-related conditions. This variant is not present in population databases (gnomAD no frequency). This sequence change inserts a large fragment of DNA, likely a transposable element, in exon 46 of the PCNT gene (c.9885_9886ins?), causing a frameshift at codon 3296 (p.Ser3296fs). The exact size and sequence of the insertion cannot be determined by the current assay. However, the insertion is expected to result in an absent or disrupted protein product.

Literature cited by the submitters: PubMed 19763152; PubMed 20307669; PubMed 22406018; PubMed 18174396; PubMed 22821869.

NM_006031.6(PCNT):c.9885_9886insGGCTGCCCAGTCTGGAAAGTGAGGAGCGTCTCCGCCCGGCCGCCATCCCATCTAGGAAGTGAGGAGCGCCNNNNNNNNNNAAAAAAAAAAAAAAAAAAAAAAAGATCCCTGACTGCT (p.Ala3295_Ser3296insGlyCysProValTrpLysValArgSerValSerAlaArgProProSerHisLeuGlySerGluGluArgXaaXaaXaaXaaLysLysLysLysLysLysLysArgSerLeuThrAla)

Gene: PCNT (pericentrin; plus strand). Cytogenetic location: 21q22.3.
Variant type: Insertion.
Coding change: c.9885_9886insGGCTGCCCAGTCTGGAAAGTGAGGAGCGTCTCCGCCCGGCCGCCATCCCATCTAGGAAGTGAGGAGCGCCNNNNNNNNNNAAAAAAAAAAAAAAAAAAAAAAAGATCCCTGACTGCT on transcript NM_006031.6 (MANE Select); coding-DNA positions 9885 to 9886, GGCTGCCCAGTCTGGAAAGTGAGGAGCGTCTCCGCCCGGCCGCCATCCCATCTAGGAAGTGAGGAGCGCCNNNNNNNNNNAAAAAAAAAAAAAAAAAAAAAAAGATCCCTGACTGCT inserted.
Protein change: p.Ala3295_Ser3296insGlyCysProValTrpLysValArgSerValSerAlaArgProProSerHisLeuGlySerGluGluArgXaaXaaXaaXaaLysLysLysLysLysLysLysArgSerLeuThrAla.
Molecular consequence: inframe insertion.
Genome position: GRCh38: chr21:46,444,739-46,444,740. GRCh37 (hg19): chr21:47,864,652-47,864,653.
Other names: c.9294_9295insGGCTGCCCAGTCTGGAAAGTGAGGAGCGTCTCCGCCCGGCCGCCATCCCATCTAGGAAGTGAGGAGCGCCNNNNNNNNNNAAAAAAAAAAAAAAAAAAAAAAAGATCCCTGACTGCT, p.Ala3098_Ser3099insGlyCysProValTrpLysValArgSerValSerAlaArgProProSerHisLeuGlySerGluGluArgXaaXaaXaaXaaLysLysLysLysLysLysLysArgSerLeuThrAla (NM_001315529.2).
Identifiers: ClinVar variation 2743356 (VCV002743356.3), dbSNP rs2519175029.